The following is an entry in ClinVar:

ClinVar aggregate classification (germline): Uncertain significance. Review status: criteria provided, multiple submitters, no conflicts (2 of 4 stars). 2 submissions from 2 submitters: Uncertain significance (2). Last evaluated 2025-02-04.

Conditions:
Hereditary cancer-predisposing syndrome. Also called: Hereditary Cancer Syndrome; Hereditary neoplastic syndrome; Neoplastic Syndromes, Hereditary; Tumor predisposition. Identifiers: Orphanet 140162, MedGen C0027672, MeSH D009386, MONDO:0015356.

Allele frequency attached by ClinVar (database versions not stated): TOPMed below 0.00001.

Submissions (2):

Ambry Genetics
Classification: Uncertain significance for Hereditary cancer-predisposing syndrome. Last evaluated: 2025-02-04. Review status: criteria provided, single submitter. Criteria: Ambry Variant Classification Scheme 2023. Collection method: clinical testing. Allele origin: germline.
Comment: The p.N177T variant (also known as c.530A>C), located in coding exon 5 of the MITF gene, results from an A to C substitution at nucleotide position 530. The asparagine at codon 177 is replaced by threonine, an amino acid with similar properties. This amino acid position is conserved. In addition, this alteration is predicted to be tolerated by in silico analysis. Based on the available evidence, the clinical significance of this variant remains unclear.

GeneDx
Classification: Uncertain significance. Last evaluated: 2023-08-09. Review status: criteria provided, single submitter. Criteria: GeneDx Variant Classification Process June 2021. Collection method: clinical testing. Allele origin: germline. Affected: yes.
Comment: Not observed at significant frequency in large population cohorts (gnomAD); In silico analysis supports that this missense variant has a deleterious effect on protein structure/function; Has not been previously published as pathogenic or benign to our knowledge

NM_001354604.2(MITF):c.851A>C (p.Asn284Thr)

Gene: MITF (melanocyte inducing transcription factor; plus strand). Cytogenetic location: 3p13.
Variant type: single nucleotide variant.
Coding change: c.851A>C on transcript NM_001354604.2 (MANE Select); coding-DNA position 851, A replaced by C.
Protein change: p.Asn284Thr; replaces asparagine 284 with threonine.
Molecular consequence: missense variant.
Genome position (GRCh38, 1-based): chr3:69,949,139, A>C. VCF-style: chr3-69949139-A-C. GRCh37 (hg19) VCF-style: chr3-69998290-A-C.
Other names: c.530A>C, p.Asn177Thr (NM_000248.4, NM_198158.3); c.695A>C, p.Asn232Thr (NM_001184967.2, NM_001354608.2); c.848A>C, p.Asn283Thr (NM_001354605.2, NM_001354606.2, NM_006722.3); c.800A>C, p.Asn267Thr (NM_001354607.2); c.851A>C, p.Asn284Thr (NM_198159.3); c.803A>C, p.Asn268Thr (NM_198177.3); c.362A>C, p.Asn121Thr (NM_198178.3); short protein forms N177T, N121T, N283T, N232T, N267T, N268T, N284T.
Identifiers: ClinVar variation 452889 (VCV000452889.5), dbSNP rs1553703665, ClinGen allele CA353561418.